The following is an entry in ClinVar:

ClinVar aggregate classification (germline): Likely benign (1 of 4 stars; one submission).

Allele frequency attached by ClinVar (database versions not stated): ExAC 0.00002; gnomAD 0.00002; TOPMed 0.00003.
gnomAD v4.1: 53 of 1,614,128 alleles (0.0033%); highest among the groups gnomAD compares: Non-Finnish European, 0.0043%; no homozygotes.

Submission:

CeGaT Center for Human Genetics Tuebingen
Classification: Likely benign. Last evaluated: 2022-12-01. Review status: criteria provided, single submitter. Criteria: CeGaT Center For Human Genetics Tuebingen Variant Classification Criteria Version 2. Collection method: clinical testing. Allele origin: germline. Affected: yes. Observed: 1 variant allele.
Comment: FAT2: BP4, BP7

NM_001447.3(FAT2):c.9105C>A (p.Ala3035=)

Genes: FAT2 (FAT atypical cadherin 2; minus strand), SLC36A1 (solute carrier family 36 member 1; plus strand). Cytogenetic location: 5q33.1.
Variant type: single nucleotide variant.
Coding change: c.9105C>A on transcript NM_001447.3 (MANE Select); coding-DNA position 9105, C replaced by A.
Protein change: p.Ala3035=; no amino-acid change (alanine 3035 retained).
Molecular consequence: synonymous variant.
Genome position (GRCh38, 1-based): chr5:151,537,881, G>T on the plus strand (C>A on the coding strand, the complement: FAT2 is on the minus strand). VCF-style: chr5-151537881-G-T. GRCh37 (hg19) VCF-style: chr5-150917442-G-T.
Identifiers: ClinVar variation 1879638 (VCV001879638.29), dbSNP rs755553134, ClinGen allele CA3520659.